The following is an entry in ClinVar:

ClinVar aggregate classification (germline): Pathogenic (1 of 4 stars; one submission).

Submission:

GeneDx
Classification: Pathogenic. Last evaluated: 2017-01-05. Review status: criteria provided, single submitter. Criteria: GeneDx Variant Classification (06012015). Collection method: clinical testing. Allele origin: germline. Affected: yes.
Comment: The c.1127+2T>C variant in the PLOD2 gene has not been reported previously as a pathogenic variant nor as a benign variant, to our knowledge. This splice site variant destroys the canonical splice donor site in intron 10. It is predicted to cause abnormal gene splicing, either leading to an abnormal message that is subject to nonsense-mediated mRNA decay, or to an abnormal protein product if the message is used for protein translation. The c.1127+2T>C variant was not observed in approximately 6200 individuals of European and African American ancestry in the NHLBI Exome Sequencing Project, indicating it is not a common benign variant in these populations. We interpret c.1127+2T>C as a pathogenic variant.

NM_182943.3(PLOD2):c.1127+2T>C

Gene: PLOD2 (procollagen-lysine,2-oxoglutarate 5-dioxygenase 2; minus strand). Cytogenetic location: 3q24.
Variant type: single nucleotide variant.
Coding change: c.1127+2T>C on transcript NM_182943.3 (MANE Select); the canonical splice donor site of the intron after coding-DNA position 1127, T replaced by C.
Molecular consequence: splice donor variant.
Genome position (GRCh38, 1-based): chr3:146,086,785, A>G on the plus strand (T>C on the coding strand, the complement: PLOD2 is on the minus strand). VCF-style: chr3-146086785-A-G. GRCh37 (hg19) VCF-style: chr3-145804572-A-G.
Other names: c.1127+2T>C (NM_000935.3).
Identifiers: ClinVar variation 391827 (VCV000391827.2), dbSNP rs1057524251, ClinGen allele CA16604472.